The following is an entry in ClinVar:

ClinVar aggregate classification (germline): Uncertain significance (1 of 4 stars; one submission).

Conditions:
Inborn genetic diseases. Identifiers: MedGen C0950123, MeSH D030342.

gnomAD v4.1: 1 of 1,614,156 alleles (0.000062%); highest among the groups gnomAD compares: Non-Finnish European, 0.000085%; no homozygotes.

Submission:

Ambry Genetics
Classification: Uncertain significance for Inborn genetic diseases. Last evaluated: 2025-04-12. Review status: criteria provided, single submitter. Criteria: Ambry Variant Classification Scheme 2023. Collection method: clinical testing. Allele origin: germline.
Comment: The p.L13V variant (also known as c.37C>G), located in coding exon 1 of the FANCG gene, results from a C to G substitution at nucleotide position 37. The leucine at codon 13 is replaced by valine, an amino acid with highly similar properties. This amino acid position is conserved. In addition, the in silico prediction for this alteration is inconclusive. Based on the available evidence, the clinical significance of this variant remains unclear.

NM_004629.2(FANCG):c.37C>G (p.Leu13Val)

Gene: FANCG (FA complementation group G; minus strand). Cytogenetic location: 9p13.3.
Variant type: single nucleotide variant.
Coding change: c.37C>G on transcript NM_004629.2 (MANE Select); coding-DNA position 37, C replaced by G.
Protein change: p.Leu13Val; replaces leucine 13 with valine.
Molecular consequence: missense variant.
Genome position (GRCh38, 1-based): chr9:35,079,488, G>C on the plus strand (C>G on the coding strand, the complement: FANCG is on the minus strand). VCF-style: chr9-35079488-G-C. GRCh37 (hg19) VCF-style: chr9-35079485-G-C.
Other names: short protein forms L13V.
Identifiers: ClinVar variation 4022489 (VCV004022489.1).